The following is an entry in ClinVar:

NM_004304.5(ALK):c.-677G>A

Gene: ALK (ALK receptor tyrosine kinase; minus strand). Cytogenetic location: 2p23.1.
Variant type: single nucleotide variant.
Coding change: c.-677G>A on transcript NM_004304.5 (MANE Select); 677 bases upstream of the start codon, G replaced by A.
Molecular consequence: 5 prime UTR variant.
Genome position (GRCh38, 1-based): chr2:29,921,336, C>T on the plus strand (G>A on the coding strand, the complement: ALK is on the minus strand). VCF-style: chr2-29921336-C-T. GRCh37 (hg19) VCF-style: chr2-30144202-C-T.
Identifiers: ClinVar variation 898362 (VCV000898362.4), dbSNP rs368770999, ClinGen allele CA45004897.

ClinVar aggregate classification (germline): Likely benign (1 of 4 stars; one submission).

Conditions:
Neuroblastoma, susceptibility to, 3. Also called: ALK-Related Neuroblastic Tumor Susceptibility. Identifiers: Orphanet 635, MedGen C2751681, MONDO:0013083, OMIM 613014.

Allele frequency attached by ClinVar (database versions not stated): gnomAD exomes 0.00028; 1000 Genomes Project 30x 0.00109; 1000 Genomes Project 0.00120; TOPMed 0.00142.
gnomAD v4.1: 227 of 233,234 alleles (0.097%); highest among the groups gnomAD compares: African/African-American, 0.48%; 1 homozygote.

Submission:

Illumina Laboratory Services, Illumina
Classification: Likely benign for Neuroblastoma, susceptibility to, 3. Last evaluated: 2018-01-13. Review status: criteria provided, single submitter. Criteria: ICSL Variant Classification Criteria 13 December 2019. Collection method: clinical testing. Allele origin: germline.
Comment: This variant was observed in the ICSL laboratory as part of a predisposition screen in an ostensibly healthy population. It had not been previously curated by ICSL or reported in the Human Gene Mutation Database (HGMD: prior to June 1st, 2018), and was therefore a candidate for classification through an automated scoring system. Utilizing variant allele frequency, disease prevalence and penetrance estimates, and inheritance mode, an automated score was calculated to assess if this variant is too frequent to cause the disease. Based on the score and internal cut-off values, a variant classified as likely benign is not then subjected to further curation. The score for this variant resulted in a classification of likely benign for this disease.